The following is an entry in ClinVar:

ClinVar aggregate classification (germline): Uncertain significance (1 of 4 stars; one submission).

Conditions:
Cone-rod dystrophy 2 (CORD2). Also called: CONE-ROD RETINAL DYSTROPHY; Cone-rod retinal dystrophy 2. Identifiers: Orphanet 1872, MedGen C3489532, MONDO:0007362, OMIM 120970.
Leber congenital amaurosis 7 (LCA7). Identifiers: Orphanet 65, MedGen C3151192, MONDO:0013449, OMIM 613829.

Submission:

Labcorp Genetics (formerly Invitae), Labcorp
Classification: Uncertain significance for Cone-rod dystrophy 2; Leber congenital amaurosis 7. Last evaluated: 2024-11-09. Review status: criteria provided, single submitter. Criteria: Invitae Variant Classification Sherloc (09022015). Collection method: clinical testing. Allele origin: germline.
Comment: This sequence change replaces proline, which is neutral and non-polar, with alanine, which is neutral and non-polar, at codon 135 of the CRX protein (p.Pro135Ala). This variant is present in population databases (rs572439956, gnomAD 0.003%). This variant has not been reported in the literature in individuals affected with CRX-related conditions. Invitae Evidence Modeling of protein sequence and biophysical properties (such as structural, functional, and spatial information, amino acid conservation, physicochemical variation, residue mobility, and thermodynamic stability) indicates that this missense variant is not expected to disrupt CRX protein function with a negative predictive value of 95%. In summary, the available evidence is currently insufficient to determine the role of this variant in disease. Therefore, it has been classified as a Variant of Uncertain Significance.

NM_000554.6(CRX):c.403C>G (p.Pro135Ala)

Gene: CRX (cone-rod homeobox; plus strand). Cytogenetic location: 19q13.33.
Variant type: single nucleotide variant.
Coding change: c.403C>G on transcript NM_000554.6 (MANE Select); coding-DNA position 403, C replaced by G.
Protein change: p.Pro135Ala; replaces proline 135 with alanine.
Molecular consequence: missense variant.
Genome position (GRCh38, 1-based): chr19:47,839,470, C>G. VCF-style: chr19-47839470-C-G. GRCh37 (hg19) VCF-style: chr19-48342727-C-G.
Other names: short protein forms P135A.
Identifiers: ClinVar variation 3759163 (VCV003759163.2).